The following is an entry in ClinVar:

ClinVar aggregate classification (germline): Uncertain significance (1 of 4 stars; one submission).

Allele frequency attached by ClinVar (database versions not stated): gnomAD exomes below 0.00001.
gnomAD v4.1: 1 of 1,613,790 alleles (0.000062%); highest among the groups gnomAD compares: Admixed American, 0.0017%; no homozygotes.

Submission:

Labcorp Genetics (formerly Invitae), Labcorp
Classification: Uncertain significance. Last evaluated: 2020-08-12. Review status: criteria provided, single submitter. Criteria: Invitae Variant Classification Sherloc (09022015). Collection method: clinical testing. Allele origin: germline.
Comment: In summary, the available evidence is currently insufficient to determine the role of this variant in disease. Therefore, it has been classified as a Variant of Uncertain Significance. Algorithms developed to predict the effect of missense changes on protein structure and function are either unavailable or do not agree on the potential impact of this missense change (SIFT: "Deleterious"; PolyPhen-2: "Probably Damaging"; Align-GVGD: "Class C0"). This variant has not been reported in the literature in individuals with MSH3-related conditions. This variant is not present in population databases (ExAC no frequency). This sequence change replaces threonine with isoleucine at codon 967 of the MSH3 protein (p.Thr967Ile). The threonine residue is moderately conserved and there is a moderate physicochemical difference between threonine and isoleucine.

NM_002439.5(MSH3):c.2900C>T (p.Thr967Ile)

Gene: MSH3 (mutS homolog 3; plus strand). Cytogenetic location: 5q14.1.
Variant type: single nucleotide variant.
Coding change: c.2900C>T on transcript NM_002439.5 (MANE Select); coding-DNA position 2900, C replaced by T.
Protein change: p.Thr967Ile; replaces threonine 967 with isoleucine.
Molecular consequence: missense variant.
Genome position (GRCh38, 1-based): chr5:80,854,216, C>T. VCF-style: chr5-80854216-C-T. GRCh37 (hg19) VCF-style: chr5-80150035-C-T.
Other names: short protein forms T967I.
Identifiers: ClinVar variation 1044279 (VCV001044279.8), dbSNP rs1745878452, ClinGen allele CA360275650.